The following is an entry in ClinVar:

NM_032590.5(KDM2B):c.-4C>T

Genes: KDM2B (lysine demethylase 2B; minus strand), KDM2B-DT (KDM2B divergent transcript; plus strand). Cytogenetic location: 12q24.31.
Variant type: single nucleotide variant.
Coding change: c.-4C>T on transcript NM_032590.5 (MANE Select); 4 bases upstream of the start codon, C replaced by T.
Molecular consequence: 5 prime UTR variant. On other transcripts: non-coding transcript variant (1).
Genome position (GRCh38, 1-based): chr12:121,580,915, G>A on the plus strand (C>T on the coding strand, the complement: KDM2B is on the minus strand). VCF-style: chr12-121580915-G-A. GRCh37 (hg19) VCF-style: chr12-122018820-G-A.
Identifiers: ClinVar variation 3043627 (VCV003043627.2), dbSNP rs149251519, ClinGen allele CA6837391.

ClinVar aggregate classification (germline): Benign (0 of 4 stars; one submission).

Conditions:
KDM2B-related disorder. Also called: KDM2B-related condition.

Allele frequency attached by ClinVar (database versions not stated): ESP Exome Variant Server 0.00008; gnomAD exomes 0.00078; gnomAD 0.00093; TOPMed 0.00102; ExAC 0.00160; 1000 Genomes Project 30x 0.00453; 1000 Genomes Project 0.00499.
gnomAD v4.1: 1,357 of 1,613,588 alleles (0.084%); highest among the groups gnomAD compares: East Asian, 2.6%; 19 homozygotes.

Submission:

PreventionGenetics, part of Exact Sciences
Classification: Benign for KDM2B-related condition. Last evaluated: 2019-09-10. Review status: no assertion criteria provided. Collection method: clinical testing. Allele origin: germline.
Comment: This variant is classified as benign based on ACMG/AMP sequence variant interpretation guidelines (Richards et al. 2015 PMID: 25741868, with internal and published modifications).